The following is an entry in ClinVar:

ClinVar aggregate classification (germline): Benign/Likely benign. Review status: criteria provided, multiple submitters, no conflicts (2 of 4 stars). 4 submissions from 4 submitters: Benign (1); Likely benign (3). Last evaluated 2026-09-23.

Conditions:
Neurofibromatosis, type 1 (NF1). Also called: Neurofibromatosis, type I; VON RECKLINGHAUSEN DISEASE; Peripheral type neurofibromatosis; NEUROFIBROMATOSIS, TYPE I, SOMATIC. Identifiers: Orphanet 636, MedGen C0027831, MONDO:0018975, OMIM 162200. Disease mechanism: loss of function.
Cardiovascular phenotype. Identifiers: MedGen CN230736.
Hereditary cancer-predisposing syndrome. Also called: Hereditary Cancer Syndrome; Hereditary neoplastic syndrome; Neoplastic Syndromes, Hereditary; Tumor predisposition. Identifiers: Orphanet 140162, MedGen C0027672, MeSH D009386, MONDO:0015356.

Submissions (4):

Myriad Genetics, Inc.
Classification: Benign for Neurofibromatosis, type 1. Last evaluated: 2026-09-23. Review status: criteria provided, single submitter. Criteria: Myriad Autosomal Dominant, Autosomal Recessive and X-Linked Classification Criteria (2023). Collection method: clinical testing. Allele origin: unknown.
Comment: This variant is considered benign. This variant is a silent/synonymous amino acid change and it is not expected to impact splicing.

Labcorp Genetics (formerly Invitae), Labcorp
Classification: Likely benign for Neurofibromatosis, type 1. Last evaluated: 2025-11-04. Review status: criteria provided, single submitter. Criteria: Invitae Variant Classification Sherloc (09022015). Collection method: clinical testing. Allele origin: germline.

Blueprint Genetics
Classification: Likely benign. Last evaluated: 2024-09-20. Review status: criteria provided, single submitter. Criteria: ACMG Guidelines, 2015. Collection method: clinical testing. Allele origin: germline.

Ambry Genetics
Classification: Likely benign for Cardiovascular phenotype; Hereditary cancer-predisposing syndrome. Last evaluated: 2022-05-01. Review status: criteria provided, single submitter. Criteria: Ambry Variant Classification Scheme 2023. Collection method: clinical testing. Allele origin: germline.

NM_001042492.3(NF1):c.5718C>G (p.Leu1906=)

Gene: NF1 (neurofibromin 1; plus strand). Cytogenetic location: 17q11.2.
Variant type: single nucleotide variant.
Coding change: c.5718C>G on transcript NM_001042492.3 (MANE Select); coding-DNA position 5718, C replaced by G.
Protein change: p.Leu1906=; no amino-acid change (leucine 1906 retained).
Molecular consequence: synonymous variant.
Genome position (GRCh38, 1-based): chr17:31,330,404, C>G. VCF-style: chr17-31330404-C-G. GRCh37 (hg19) VCF-style: chr17-29657422-C-G.
Other names: c.5655C>G, p.Leu1885= (NM_000267.4).
Identifiers: ClinVar variation 1136031 (VCV001136031.11), dbSNP rs2151544713, ClinGen allele CA499233483.
Genomic context (GRCh38, chr17:31,330,404, plus strand): 5'-AAAAATCGAGGGCCAGTTACTAGAGACATCAGGTTTATGTATCCCTGCCAACAACACCCT[C>G]TTTATTGTCTCTATTAGTAAGACACTGGCAGCCAATGAGCCACACCTCACGTTAGAATTT-3'
Protein context (NP_001035957.1, residues 1896-1916): SGLCIPANNT[Leu1906=]FIVSISKTLA